The following is an entry in ClinVar:

ClinVar aggregate classification (germline): Likely benign. Review status: criteria provided, single submitter (1 of 4 stars). 2 submissions from 2 submitters: Likely benign (1). 1 of the submissions does not count toward it. Last evaluated 2023-04-17.

Conditions:
ANK1-related disorder. Also called: ANK1-related condition.

Allele frequency attached by ClinVar (database versions not stated): TOPMed below 0.00001; ExAC 0.00001; gnomAD exomes 0.00001; gnomAD 0.00003.
gnomAD v4.1: 24 of 1,613,250 alleles (0.0015%); highest among the groups gnomAD compares: South Asian, 0.0033%; no homozygotes.

Submissions (2):

Labcorp Genetics (formerly Invitae), Labcorp
Classification: Likely benign. Last evaluated: 2023-04-17. Review status: criteria provided, single submitter. Criteria: Invitae Variant Classification Sherloc (09022015). Collection method: clinical testing. Allele origin: germline.

PreventionGenetics, part of Exact Sciences
Classification: Likely benign for ANK1-related condition. Last evaluated: 2019-06-05. Review status: no assertion criteria provided. Collection method: clinical testing. Allele origin: germline. Not counted in ClinVar's aggregate classification.
Comment: This variant is classified as likely benign based on ACMG/AMP sequence variant interpretation guidelines (Richards et al. 2015 PMID: 25741868, with internal and published modifications).

NM_000037.4(ANK1):c.2898C>T (p.Ala966=)

Gene: ANK1 (ankyrin 1; minus strand). Cytogenetic location: 8p11.21.
Variant type: single nucleotide variant.
Coding change: c.2898C>T on transcript NM_000037.4 (MANE Select); coding-DNA position 2898, C replaced by T.
Protein change: p.Ala966=; no amino-acid change (alanine 966 retained).
Molecular consequence: synonymous variant.
Genome position (GRCh38, 1-based): chr8:41,696,425, G>A on the plus strand (C>T on the coding strand, the complement: ANK1 is on the minus strand). VCF-style: chr8-41696425-G-A. GRCh37 (hg19) VCF-style: chr8-41553943-G-A.
Other names: c.2898C>T (NM_020476.2); c.3021C>T, p.Ala1007= (NM_001142446.2); c.2898C>T, p.Ala966= (NM_020475.3, NM_020476.3, NM_020477.3).
Identifiers: ClinVar variation 2978911 (VCV002978911.5), dbSNP rs201496394, ClinGen allele CA4728048.